The following is an entry in ClinVar:

ClinVar aggregate classification (germline): Benign/Likely benign. Review status: criteria provided, multiple submitters, no conflicts (2 of 4 stars). 17 submissions from 14 submitters: Benign (6); Likely benign (5). 6 of the submissions do not count toward it. Last evaluated 2026-09-01.

Conditions:
TTN-related disorder. Also called: TTN-related disorders; TTN-related condition; TTN-related disease.
Autosomal recessive limb-girdle muscular dystrophy type 2J (LGMDR10). Also called: Limb-girdle muscular dystrophy, type 2J; MUSCULAR DYSTROPHY, LIMB-GIRDLE, AUTOSOMAL RECESSIVE 10. Identifiers: Orphanet 140922, MedGen C1837342, MONDO:0012127, OMIM 608807.
Dilated cardiomyopathy 1G (CMD1G). Identifiers: Orphanet 154, MedGen C1858763, MONDO:0011400, OMIM 604145.
Tibial muscular dystrophy (TMD). Also called: Udd Distal Myopathy – Tibial Muscular Dystrophy; UDD MYOPATHY; Tibial muscular dystrophy, tardive. Identifiers: Orphanet 609, MedGen C1838244, MONDO:0010870, OMIM 600334.
Early-onset myopathy with fatal cardiomyopathy (CMYO5). Also called: Salih Myopathy; CONGENITAL MYOPATHY 5 WITH CARDIOMYOPATHY. Identifiers: Orphanet 289377, MedGen C2673677, MONDO:0012714, OMIM 611705. Disease mechanism: loss of function.
Myopathy, myofibrillar, 9, with early respiratory failure (MFM9). Also called: Myopathy, distal, with early respiratory failure, autosomal dominant; EDSTROM MYOPATHY; MYOPATHY, PROXIMAL, WITH EARLY RESPIRATORY MUSCLE INVOLVEMENT; Hereditary myopathy with early respiratory failure. Identifiers: Orphanet 178464, Orphanet 34521, MedGen C1863599, MONDO:0011362, OMIM 603689.

Allele frequency attached by ClinVar (database versions not stated): 1000 Genomes Project 0.00060; 1000 Genomes Project 30x 0.00078; TOPMed 0.00164; gnomAD 0.00217 and 0.00224; gnomAD exomes 0.00228; ExAC 0.00233; ESP Exome Variant Server 0.00262.
gnomAD v4.1: 4,590 of 1,613,690 alleles (0.28%); highest among the groups gnomAD compares: Non-Finnish European, 0.34%; 10 homozygotes.

Submissions (17):

CeGaT Center for Human Genetics Tuebingen
Classification: Likely benign. Last evaluated: 2026-09-01. Review status: criteria provided, single submitter. Criteria: CeGaT Center For Human Genetics Tuebingen Variant Classification Criteria Version 2. Collection method: clinical testing. Allele origin: germline. Affected: yes. Observed: 47 variant alleles.
Comment: TTN: BP4, BS2

Labcorp Genetics (formerly Invitae), Labcorp
Classification: Benign for Dilated cardiomyopathy 1G; Autosomal recessive limb-girdle muscular dystrophy type 2J. Last evaluated: 2026-02-03. Review status: criteria provided, single submitter. Criteria: Invitae Variant Classification Sherloc (09022015). Collection method: clinical testing. Allele origin: germline.

Molecular Diagnostic Laboratory for Inherited Cardiovascular Disease, Montreal Heart Institute
Classification: Likely benign. Last evaluated: 2025-07-24. Review status: criteria provided, single submitter. Criteria: ACMG Guidelines, 2015. Collection method: clinical testing. Allele origin: germline. Affected: no.

Blueprint Genetics
Classification: Likely benign. Last evaluated: 2024-11-25. Review status: criteria provided, single submitter. Criteria: ACMG Guidelines, 2015. Collection method: clinical testing. Allele origin: germline.

ARUP Laboratories, Molecular Genetics and Genomics, ARUP Laboratories
Classification: Likely benign. Last evaluated: 2023-10-26. Review status: criteria provided, single submitter. Criteria: ARUP Molecular Germline Variant Investigation Process 2024. Collection method: clinical testing. Allele origin: germline.

Genome-Nilou Lab
Classification: Benign for Autosomal recessive limb-girdle muscular dystrophy type 2J. Last evaluated: 2021-09-10. Review status: criteria provided, single submitter. Criteria: ACMG Guidelines, 2015. Collection method: clinical testing. Allele origin: germline. Affected: no.

Genome-Nilou Lab
Classification: Benign for Myopathy, myofibrillar, 9, with early respiratory failure. Last evaluated: 2021-09-10. Review status: criteria provided, single submitter. Criteria: ACMG Guidelines, 2015. Collection method: clinical testing. Allele origin: germline. Affected: no.

Genome-Nilou Lab
Classification: Benign for Early-onset myopathy with fatal cardiomyopathy. Last evaluated: 2021-09-10. Review status: criteria provided, single submitter. Criteria: ACMG Guidelines, 2015. Collection method: clinical testing. Allele origin: germline. Affected: no.

Genome-Nilou Lab
Classification: Benign for Tibial muscular dystrophy. Last evaluated: 2021-09-10. Review status: criteria provided, single submitter. Criteria: ACMG Guidelines, 2015. Collection method: clinical testing. Allele origin: germline. Affected: no.

Athena Diagnostics
Classification: Benign. Last evaluated: 2017-05-04. Review status: criteria provided, single submitter. Criteria: Athena Diagnostics Criteria. Collection method: clinical testing. Allele origin: germline.

Biesecker Lab/Clinical Genomics Section, National Institutes of Health
Classification: Likely benign. Last evaluated: 2013-06-24. Review status: criteria provided, single submitter. Criteria: Ng et al. (Circ Cardiovasc Genet. 2013). Collection method: research. Allele origin: unknown. Observed: 3 variant alleles. Study: ClinSeq.
Comment: The study set was not selected for affection status in relation to any cancer. Pathogenicity categories were based on literature curation. See Pubmed ID:23861362 for details.

Medical sequencing

PreventionGenetics, part of Exact Sciences
Classification: Likely benign for TTN-related condition. Last evaluated: 2019-06-03. Review status: no assertion criteria provided. Collection method: clinical testing. Allele origin: germline. Not counted in ClinVar's aggregate classification.
Comment: This variant is classified as likely benign based on ACMG/AMP sequence variant interpretation guidelines (Richards et al. 2015 PMID: 25741868, with internal and published modifications).

Clinical Genetics DNA and cytogenetics Diagnostics Lab, Erasmus MC, Erasmus Medical Center
Classification: Likely benign. Review status: no assertion criteria provided. Collection method: clinical testing. Allele origin: germline. Affected: yes. Study: VKGL Data-share Consensus. Not counted in ClinVar's aggregate classification.

Clinical Genetics, Academic Medical Center
Classification: Benign. Review status: no assertion criteria provided. Collection method: clinical testing. Allele origin: germline. Affected: yes. Study: VKGL Data-share Consensus. Not counted in ClinVar's aggregate classification.

Diagnostic Laboratory, Department of Genetics, University Medical Center Groningen
Classification: Likely benign. Review status: no assertion criteria provided. Collection method: clinical testing. Allele origin: germline. Affected: yes. Study: VKGL Data-share Consensus. Not counted in ClinVar's aggregate classification.

Joint Genome Diagnostic Labs from Nijmegen and Maastricht, Radboudumc and MUMC+
Classification: Benign. Review status: no assertion criteria provided. Collection method: clinical testing. Allele origin: germline. Affected: yes. Study: VKGL Data-share Consensus. Not counted in ClinVar's aggregate classification.

Laboratory of Diagnostic Genome Analysis, Leiden University Medical Center (LUMC)
Classification: Likely benign. Review status: no assertion criteria provided. Collection method: clinical testing. Allele origin: germline. Affected: yes. Study: VKGL Data-share Consensus. Not counted in ClinVar's aggregate classification.

NM_001267550.2(TTN):c.36509A>T (p.Glu12170Val)

Gene: TTN (titin; minus strand). Cytogenetic location: 2q31.2.
Variant type: single nucleotide variant.
Coding change: c.36509A>T on transcript NM_001267550.2 (MANE Select); coding-DNA position 36509, A replaced by T.
Protein change: p.Glu12170Val; replaces glutamic acid 12170 with valine.
Molecular consequence: missense variant. On other transcripts: intron variant (4).
Genome position (GRCh38, 1-based): chr2:178,663,650, T>A on the plus strand (A>T on the coding strand, the complement: TTN is on the minus strand). VCF-style: chr2-178663650-T-A. GRCh37 (hg19) VCF-style: chr2-179528377-T-A.
Other names: c.36509A>T (LRG_391t1); c.13283-21333A>T (NM_003319.4); c.13859-21333A>T (NM_133437.4); c.13658-21333A>T (NM_133432.3); c.34265-595A>T (NM_001256850.1); c.31484-595A>T (NM_133378.4); short protein forms E12170V.
Identifiers: ClinVar variation 192173 (VCV000192173.74), dbSNP rs200840285, ClinGen allele CA238514.